The following is an entry in ClinVar:

NM_004999.4(MYO6):c.2947-4T>C

Gene: MYO6 (myosin VI; plus strand). Cytogenetic location: 6q14.1.
Variant type: single nucleotide variant.
Coding change: c.2947-4T>C on transcript NM_004999.4 (MANE Select); 4 bases into the intron before coding-DNA position 2947, T replaced by C.
Molecular consequence: intron variant.
Genome position (GRCh38, 1-based): chr6:75,892,526, T>C. VCF-style: chr6-75892526-T-C. GRCh37 (hg19) VCF-style: chr6-76602243-T-C.
Other names: c.2947-4T>C (NM_001368865.1, NM_001368866.1, NM_001368137.1 and 2 more transcripts); c.2932-4T>C (NM_001368138.1).
Identifiers: ClinVar variation 3051478 (VCV003051478.2), dbSNP rs1452085150, ClinGen allele CA828143861.
Genomic context (GRCh38, chr6:75,892,526, plus strand): 5'-TAAGGGGAGTGATCAAGTAAACAAGTGAAGAACTCTTGGTGAAATAGCTTTCTGCCCTTG[T>C]CAGGCTGAAGTGGAGGCACAGCTGGCCCGACAGAAGGAGGAGGAATCCCAACAGCAAGCA-3'

ClinVar aggregate classification (germline): Likely benign (0 of 4 stars; one submission).

Conditions:
MYO6-related disorder. Also called: MYO6-related disorders; MYO6-related condition.

Allele frequency attached by ClinVar (database versions not stated): gnomAD exomes 0.00001; TOPMed 0.00002; gnomAD 0.00003.
gnomAD v4.1: 24 of 1,613,888 alleles (0.0015%); highest among the groups gnomAD compares: Non-Finnish European, 0.002%; no homozygotes.

Submission:

PreventionGenetics, part of Exact Sciences
Classification: Likely benign for MYO6-related condition. Last evaluated: 2020-02-05. Review status: no assertion criteria provided. Collection method: clinical testing. Allele origin: germline.
Comment: This variant is classified as likely benign based on ACMG/AMP sequence variant interpretation guidelines (Richards et al. 2015 PMID: 25741868, with internal and published modifications).